The following is an entry in ClinVar:

ClinVar aggregate classification (germline): Likely benign (1 of 4 stars; one submission).

gnomAD v4.1: 29 of 1,610,546 alleles (0.0018%); highest among the groups gnomAD compares: Non-Finnish European, 0.0023%; no homozygotes.

Submission:

Athena Diagnostics
Classification: Likely benign. Last evaluated: 2025-06-04. Review status: criteria provided, single submitter. Criteria: Athena Diagnostics Criteria. Collection method: clinical testing. Allele origin: unknown.
Comment: Computational tools yielded predictions that this variant is unlikely to have an effect on normal RNA splicing. This nucleotide position exhibits low evolutionary conservation.

NM_012232.6(CAVIN1):c.369C>G (p.Thr123=)

Gene: CAVIN1 (caveolae associated protein 1; minus strand). Cytogenetic location: 17q21.2.
Variant type: single nucleotide variant.
Coding change: c.369C>G on transcript NM_012232.6 (MANE Select); coding-DNA position 369, C replaced by G.
Protein change: p.Thr123=; no amino-acid change (threonine 123 retained).
Molecular consequence: synonymous variant.
Genome position (GRCh38, 1-based): chr17:42,422,729, G>C on the plus strand (C>G on the coding strand, the complement: CAVIN1 is on the minus strand). VCF-style: chr17-42422729-G-C. GRCh37 (hg19) VCF-style: chr17-40574747-G-C.
Identifiers: ClinVar variation 4682405 (VCV004682405.1).